The following is an entry in ClinVar:

ClinVar aggregate classification (germline): Conflicting classifications of pathogenicity. Review status: criteria provided, conflicting classifications (1 of 4 stars). 7 submissions from 7 submitters: Uncertain significance (2); Likely benign (4). 1 of the submissions does not count toward it. Last evaluated 2025-12-01.

Conditions:
PLEKHG5-related disorder. Also called: PLEKHG5-related condition.
Inborn genetic diseases. Identifiers: MedGen C0950123, MeSH D030342.
Charcot-Marie-Tooth disease recessive intermediate C. Also called: CHARCOT-MARIE-TOOTH NEUROPATHY, RECESSIVE INTERMEDIATE C. Identifiers: Orphanet 369867, MedGen C3809309, MONDO:0014154, OMIM 615376.
Neuronopathy, distal hereditary motor, autosomal recessive 4. Also called: Autosomal recessive lower motor neuron disease with childhood onset; NEUROPATHY, DISTAL HEREDITARY MOTOR, AUTOSOMAL RECESSIVE 4. Identifiers: Orphanet 206580, MedGen C1970211, MONDO:0012608, OMIM 611067.

Allele frequency attached by ClinVar (database versions not stated): gnomAD exomes 0.00002 and 0.00011; ExAC 0.00004; gnomAD 0.00004 and 0.00005; TOPMed 0.00006.
gnomAD v4.1: 165 of 1,594,894 alleles (0.01%); highest among the groups gnomAD compares: Non-Finnish European, 0.013%; no homozygotes.

Submissions (7):

CeGaT Center for Human Genetics Tuebingen
Classification: Likely benign. Last evaluated: 2025-12-01. Review status: criteria provided, single submitter. Criteria: CeGaT Center For Human Genetics Tuebingen Variant Classification Criteria Version 2. Collection method: clinical testing. Allele origin: germline. Affected: yes. Observed: 1 variant allele.
Comment: PLEKHG5: BP4, BP7

Labcorp Genetics (formerly Invitae), Labcorp
Classification: Likely benign for Neuronopathy, distal hereditary motor, autosomal recessive 4; Charcot-Marie-Tooth disease recessive intermediate C. Last evaluated: 2025-11-01. Review status: criteria provided, single submitter. Criteria: Invitae Variant Classification Sherloc (09022015). Collection method: clinical testing. Allele origin: germline.

Ambry Genetics
Classification: Likely benign for Inborn genetic diseases. Last evaluated: 2019-07-11. Review status: criteria provided, single submitter. Criteria: Ambry Variant Classification Scheme 2023. Collection method: clinical testing. Allele origin: germline.

Illumina Laboratory Services, Illumina
Classification: Uncertain significance for Neuronopathy, distal hereditary motor, autosomal recessive 4. Last evaluated: 2018-01-13. Review status: criteria provided, single submitter. Criteria: ICSL Variant Classification Criteria 13 December 2019. Collection method: clinical testing. Allele origin: germline.

GeneDx
Classification: Likely benign. Last evaluated: 2017-12-08. Review status: criteria provided, single submitter. Criteria: GeneDx Variant Classification (06012015). Collection method: clinical testing. Allele origin: germline. Affected: yes.
Comment: This variant is considered likely benign or benign based on one or more of the following criteria: it is a conservative change, it occurs at a poorly conserved position in the protein, it is predicted to be benign by multiple in silico algorithms, and/or has population frequency not consistent with disease.

Eurofins Ntd Llc (ga)
Classification: Uncertain significance. Last evaluated: 2016-09-20. Review status: criteria provided, single submitter. Criteria: EGL Classification Definitions 2015. Collection method: clinical testing. Allele origin: germline. Observed: 1 variant allele, 1 heterozygote.

PreventionGenetics, part of Exact Sciences
Classification: Likely benign for PLEKHG5-related condition. Last evaluated: 2022-06-09. Review status: no assertion criteria provided. Collection method: clinical testing. Allele origin: germline. Not counted in ClinVar's aggregate classification.
Comment: This variant is classified as likely benign based on ACMG/AMP sequence variant interpretation guidelines (Richards et al. 2015 PMID: 25741868, with internal and published modifications).

NM_020631.6(PLEKHG5):c.753C>T (p.Ser251=)

Gene: PLEKHG5 (pleckstrin homology and RhoGEF domain containing G5; minus strand). Cytogenetic location: 1p36.31.
Variant type: single nucleotide variant.
Coding change: c.753C>T on transcript NM_020631.6 (MANE Select); coding-DNA position 753, C replaced by T.
Protein change: p.Ser251=; no amino-acid change (serine 251 retained).
Molecular consequence: synonymous variant.
Genome position (GRCh38, 1-based): chr1:6,473,293, G>A on the plus strand (C>T on the coding strand, the complement: PLEKHG5 is on the minus strand). VCF-style: chr1-6473293-G-A. GRCh37 (hg19) VCF-style: chr1-6533353-G-A.
Other names: c.864C>T, p.Ser288= (NM_001042663.3, NM_001265592.2); c.753C>T, p.Ser251= (NM_001042664.2, NM_001042665.2, NM_001265594.3 and 1 more transcripts); c.960C>T, p.Ser320= (NM_001265593.2).
Identifiers: ClinVar variation 291065 (VCV000291065.26), dbSNP rs556687525, ClinGen allele CA561765.